The following is an entry in ClinVar:

ClinVar aggregate classification (germline): Uncertain significance (1 of 4 stars; one submission).

Submission:

Labcorp Genetics (formerly Invitae), Labcorp
Classification: Uncertain significance. Last evaluated: 2022-10-21. Review status: criteria provided, single submitter. Criteria: Invitae Variant Classification Sherloc (09022015). Collection method: clinical testing. Allele origin: germline.
Comment: In summary, the available evidence is currently insufficient to determine the role of this variant in disease. Therefore, it has been classified as a Variant of Uncertain Significance. Algorithms developed to predict the effect of missense changes on protein structure and function are either unavailable or do not agree on the potential impact of this missense change (SIFT: "Not Available"; PolyPhen-2: "Possibly Damaging"; Align-GVGD: "Not Available"). This variant has not been reported in the literature in individuals affected with NDUFA6-related conditions. This variant is not present in population databases (gnomAD no frequency). This sequence change replaces isoleucine, which is neutral and non-polar, with threonine, which is neutral and polar, at codon 110 of the NDUFA6 protein (p.Ile110Thr).

NM_002490.6(NDUFA6):c.251T>C (p.Ile84Thr)

Gene: NDUFA6 (NADH:ubiquinone oxidoreductase subunit A6; minus strand). Cytogenetic location: 22q13.2.
Variant type: single nucleotide variant.
Coding change: c.251T>C on transcript NM_002490.6 (MANE Select); coding-DNA position 251, T replaced by C.
Protein change: p.Ile84Thr; replaces isoleucine 84 with threonine.
Molecular consequence: missense variant.
Genome position (GRCh38, 1-based): chr22:42,087,064, A>G on the plus strand (T>C on the coding strand, the complement: NDUFA6 is on the minus strand). VCF-style: chr22-42087064-A-G. GRCh37 (hg19) VCF-style: chr22-42483068-A-G.
Other names: short protein forms I84T.
Identifiers: ClinVar variation 2024622 (VCV002024622.4), dbSNP rs1928295510, ClinGen allele CA411775482.